The following is an entry in ClinVar:

NM_020975.6(RET):c.2932G>A (p.Glu978Lys)

Gene: RET (ret proto-oncogene; plus strand). Cytogenetic location: 10q11.21.
Variant type: single nucleotide variant.
Coding change: c.2932G>A on transcript NM_020975.6 (MANE Select); coding-DNA position 2932, G replaced by A.
Protein change: p.Glu978Lys; replaces glutamic acid 978 with lysine.
Molecular consequence: missense variant.
Genome position (GRCh38, 1-based): chr10:43,123,801, G>A. VCF-style: chr10-43123801-G-A. GRCh37 (hg19) VCF-style: chr10-43619249-G-A.
Other names: p.Glu978Lys; c.2932G>A, p.Glu978Lys (NM_000323.2, NM_001406743.1, NM_001406744.1 and 4 more transcripts); c.2170G>A, p.Glu724Lys (NM_001355216.2); c.2803G>A, p.Glu935Lys (NM_001406761.1, NM_001406762.1, NM_001406764.1); c.2797G>A, p.Glu933Lys (NM_001406763.1, NM_001406765.1); c.2206G>A, p.Glu736Lys (NM_001406776.1, NM_001406777.1, NM_001406778.1 and 1 more transcripts); c.2035G>A, p.Glu679Lys (NM_001406779.1, NM_001406780.1, NM_001406781.1 and 1 more transcripts); c.1906G>A, p.Glu636Lys (NM_001406783.1, NM_001406786.1); and 11 more; short protein forms E978K, E724K, E636K, E639K, E648K, E495K, E832K, E935K.
Identifiers: ClinVar variation 405522 (VCV000405522.22), dbSNP rs758800351, ClinGen allele CA041492.

ClinVar aggregate classification (germline): Conflicting classifications of pathogenicity. Review status: criteria provided, conflicting classifications (1 of 4 stars). 9 submissions from 9 submitters: Uncertain significance (8); Likely benign (1). Last evaluated 2026-01-13.

Conditions:
Hirschsprung disease, susceptibility to, 1 (HSCR1). Also called: RET-Related Hirschsprung Disease. Identifiers: Orphanet 388, MedGen C3888239, MONDO:0007723, OMIM 142623.
Multiple endocrine neoplasia type 2B. Also called: WAGENMANN-FROBOESE SYNDROME; MULTIPLE ENDOCRINE NEOPLASIA, TYPE III; MULTIPLE ENDOCRINE NEOPLASIA, TYPE IIB; MEN IIB; NEUROMATA, MUCOSAL, WITH ENDOCRINE TUMORS; MEN 2B. Identifiers: Orphanet 247709, Orphanet 653, MedGen C0025269, MeSH D018814, MONDO:0008082, OMIM 162300.
Pheochromocytoma. Also called: MAX-Related Hereditary Paraganglioma-Pheochromocytoma Syndrome. Identifiers: Orphanet 29072, MedGen C0031511, MONDO:0008233, OMIM 171300, HP:0002666.
Familial medullary thyroid carcinoma (MTC). Also called: Thyroid cancer, familial medullary; MTC, familial; Familial Medullary Thyroid Carcinoma (FMTC). Identifiers: Orphanet 653, Orphanet 99361, MedGen C1833921, MONDO:0007958, OMIM 155240.
Multiple endocrine neoplasia type 2A. Also called: Multiple Endocrine Neoplasia Type 2A (MEN2A); MULTIPLE ENDOCRINE NEOPLASIA, TYPE IIA; PTC SYNDROME; SIPPLE SYNDROME; MEN 2A; MEN-2A syndrome. Identifiers: Orphanet 247698, Orphanet 653, MedGen C0025268, MeSH D018813, MONDO:0008234, OMIM 171400.
Hereditary cancer-predisposing syndrome. Also called: Tumor predisposition; Hereditary Cancer Syndrome; Hereditary neoplastic syndrome; Neoplastic Syndromes, Hereditary. Identifiers: Orphanet 140162, MedGen C0027672, MeSH D009386, MONDO:0015356.
Multiple endocrine neoplasia, type 2 (MEN2). Identifiers: Orphanet 653, MedGen C4048306, MONDO:0019003. Disease mechanism: gain of function.

Allele frequency attached by ClinVar (database versions not stated): gnomAD exomes 0.00001 and 0.00002; ExAC 0.00002; gnomAD 0.00003 and 0.00004; TOPMed 0.00004.
gnomAD v4.1: 22 of 1,613,992 alleles (0.0014%); highest among the groups gnomAD compares: African/African-American, 0.011%; no homozygotes.

Submissions (9):

Labcorp Genetics (formerly Invitae), Labcorp
Classification: Uncertain significance for Multiple endocrine neoplasia, type 2. Last evaluated: 2026-01-13. Review status: criteria provided, single submitter. Criteria: Invitae Variant Classification Sherloc (09022015). Collection method: clinical testing. Allele origin: germline.
Comment: This sequence change replaces glutamic acid, which is acidic and polar, with lysine, which is basic and polar, at codon 978 of the RET protein (p.Glu978Lys). This variant is present in population databases (rs758800351, gnomAD 0.01%). This variant has not been reported in the literature in individuals affected with RET-related conditions. ClinVar contains an entry for this variant (Variation ID: 405522). An algorithm developed to predict the effect of missense changes on protein structure and function (PolyPhen-2) suggests that this variant is likely to be tolerated. In summary, the available evidence is currently insufficient to determine the role of this variant in disease. Therefore, it has been classified as a Variant of Uncertain Significance.

Women's Health and Genetics/Laboratory Corporation of America, LabCorp
Classification: Uncertain significance. Last evaluated: 2025-09-24. Review status: criteria provided, single submitter. Criteria: LabCorp Variant Classification Summary - May 2015. Collection method: clinical testing. Allele origin: germline.
Comment: Variant summary: RET c.2932G>A (p.Glu978Lys) results in a conservative amino acid change in the encoded protein sequence. Algorithms developed to predict the effect of missense changes on protein structure and function are either unavailable or do not agree on the potential impact of this missense change. The variant allele was found at a frequency of 1.6e-05 in 251402 control chromosomes. The available data on variant occurrences in the general population are insufficient to allow any conclusion about variant significance. To our knowledge, no occurrence of c.2932G>A in individuals affected with RET-related conditions and no experimental evidence demonstrating its impact on protein function have been reported. ClinVar contains an entry for this variant (Variation ID: 405522). Based on the evidence outlined above, the variant was classified as uncertain significance.

Color Diagnostics, LLC DBA Color Health
Classification: Uncertain significance for Multiple endocrine neoplasia, type 2. Last evaluated: 2025-05-27. Review status: criteria provided, single submitter. Criteria: ACMG Guidelines, 2015. Collection method: clinical testing. Allele origin: germline.
Comment: This missense variant replaces glutamic acid with lysine at codon 978 of the RET protein. Computational prediction is inconclusive regarding the impact of this variant on protein structure and function. To our knowledge, functional studies have not been reported for this variant. This variant has not been reported in individuals affected with RET-related disorders in the literature. This variant has been identified in 4/251402 chromosomes in the general population by the Genome Aggregation Database (gnomAD). The available evidence is insufficient to determine the role of this variant in disease conclusively. Therefore, this variant is classified as a Variant of Uncertain Significance.

Mayo Clinic Laboratories, Mayo Clinic
Classification: Uncertain significance. Last evaluated: 2025-05-08. Review status: criteria provided, single submitter. Criteria: ACMG Guidelines, 2015. Collection method: clinical testing. Allele origin: germline. Observed: 1 variant allele.

Fulgent Genetics
Classification: Uncertain significance for Hirschsprung disease, susceptibility to, 1; Familial medullary thyroid carcinoma; Multiple endocrine neoplasia type 2B; Pheochromocytoma; Multiple endocrine neoplasia type 2A. Last evaluated: 2024-02-28. Review status: criteria provided, single submitter. Criteria: ACMG Guidelines, 2015. Collection method: clinical testing. Allele origin: germline.

All of Us Research Program, National Institutes of Health
Classification: Uncertain significance for Multiple endocrine neoplasia, type 2. Last evaluated: 2023-12-01. Review status: criteria provided, single submitter. Criteria: ACMG Guidelines, 2015. Collection method: clinical testing. Allele origin: germline. Inheritance: Autosomal dominant inheritance. Observed: 3 variant alleles, 3 heterozygotes.
Comment: This missense variant replaces glutamic acid with lysine at codon 978 of the RET protein. Computational prediction is inconclusive regarding the impact of this variant on protein structure and function (internally defined REVEL score threshold 0.5 < inconclusive < 0.7, PMID: 27666373). To our knowledge, functional studies have not been reported for this variant. This variant has not been reported in individuals affected with hereditary cancer in the literature. This variant has been identified in 4/251402 chromosomes in the general population by the Genome Aggregation Database (gnomAD). The available evidence is insufficient to determine the role of this variant in disease conclusively. Therefore, this variant is classified as a Variant of Uncertain Significance.

This study involves interpretation of variants in research participants for the purpose of population health screening. Participant phenotype was not available at the time of variant classification. Additional details can be found in publication PMID: 35346344, PMCID: PMC8962531

Baylor Genetics
Classification: Uncertain significance for Hirschsprung disease, susceptibility to, 1. Last evaluated: 2023-10-17. Review status: criteria provided, single submitter. Criteria: ACMG Guidelines, 2015. Collection method: clinical testing. Allele origin: unknown.

GeneDx
Classification: Uncertain significance. Last evaluated: 2023-09-22. Review status: criteria provided, single submitter. Criteria: GeneDx Variant Classification Process June 2021. Collection method: clinical testing. Allele origin: germline.
Comment: Not observed at significant frequency in large population cohorts (gnomAD); In silico analysis supports that this missense variant has a deleterious effect on protein structure/function; Has not been previously published as pathogenic or benign to our knowledge; This variant is associated with the following publications: (PMID: 14633923)

Ambry Genetics
Classification: Likely benign for Hereditary cancer-predisposing syndrome. Last evaluated: 2023-08-22. Review status: criteria provided, single submitter. Criteria: Ambry Variant Classification Scheme 2023. Collection method: clinical testing. Allele origin: germline.